The following is an entry in ClinVar:

NM_032409.3(PINK1):c.1009C>T (p.Arg337Cys)

Genes: PINK1 (PTEN induced kinase 1; plus strand), PINK1-AS (PINK1 antisense RNA; minus strand). Cytogenetic location: 1p36.12.
Variant type: single nucleotide variant.
Coding change: c.1009C>T on transcript NM_032409.3 (MANE Select); coding-DNA position 1009, C replaced by T.
Protein change: p.Arg337Cys; replaces arginine 337 with cysteine.
Molecular consequence: missense variant. On other transcripts: non-coding transcript variant (1).
Genome position (GRCh38, 1-based): chr1:20,645,609, C>T. VCF-style: chr1-20645609-C-T. GRCh37 (hg19) VCF-style: chr1-20972102-C-T.
Other names: short protein forms R337C.
Identifiers: ClinVar variation 1517107 (VCV001517107.6), dbSNP rs748041977, ClinGen allele CA660663.

ClinVar aggregate classification (germline): Uncertain significance (1 of 4 stars; one submission).

Conditions:
Autosomal recessive early-onset Parkinson disease 6 (PARK6). Also called: PINK1-Related Parkinson Disease; PARKINSON DISEASE 6, MODIFIER OF; PINK1 Type of Young-Onset Parkinson Disease; PARKINSON DISEASE 6, EARLY-ONSET. Identifiers: Orphanet 2828, MedGen C1853833, MONDO:0011613, OMIM 605909.

Allele frequency attached by ClinVar (database versions not stated): ExAC 0.00002; gnomAD 0.00002; gnomAD exomes 0.00002.
gnomAD v4.1: 35 of 1,614,048 alleles (0.0022%); highest among the groups gnomAD compares: Non-Finnish European, 0.0027%; no homozygotes.

Submission:

Labcorp Genetics (formerly Invitae), Labcorp
Classification: Uncertain significance for Autosomal recessive early-onset Parkinson disease 6. Last evaluated: 2024-04-07. Review status: criteria provided, single submitter. Criteria: Invitae Variant Classification Sherloc (09022015). Collection method: clinical testing. Allele origin: germline.
Comment: This sequence change replaces arginine, which is basic and polar, with cysteine, which is neutral and slightly polar, at codon 337 of the PINK1 protein (p.Arg337Cys). This variant is present in population databases (rs748041977, gnomAD 0.007%). This variant has not been reported in the literature in individuals affected with PINK1-related conditions. ClinVar contains an entry for this variant (Variation ID: 1517107). Advanced modeling of protein sequence and biophysical properties (such as structural, functional, and spatial information, amino acid conservation, physicochemical variation, residue mobility, and thermodynamic stability) performed at Invitae indicates that this missense variant is not expected to disrupt PINK1 protein function with a negative predictive value of 80%. In summary, the available evidence is currently insufficient to determine the role of this variant in disease. Therefore, it has been classified as a Variant of Uncertain Significance.